The following is an entry in ClinVar:

ClinVar aggregate classification (germline): Likely benign. Review status: criteria provided, multiple submitters, no conflicts (2 of 4 stars). 5 submissions from 5 submitters: Likely benign (4). 1 of the submissions does not count toward it. Last evaluated 2024-09-29.

Conditions:
Dyskeratosis congenita, autosomal recessive 5 (DKCB5). Identifiers: MedGen C3554656, MONDO:0014076, OMIM 615190.
Pulmonary fibrosis and/or bone marrow failure, Telomere-related, 3. Also called: PULMONARY FIBROSIS AND/OR BONE MARROW FAILURE SYNDROME, TELOMERE-RELATED, 3. Identifiers: Orphanet 2032, MedGen C4225346, MONDO:0014613, OMIM 616373.
Inborn genetic diseases. Identifiers: MedGen C0950123, MeSH D030342.
Dyskeratosis congenita. Identifiers: Orphanet 1775, MedGen C0265965, MONDO:0015780.

Allele frequency attached by ClinVar (database versions not stated): TOPMed below 0.00001.

Submissions (5):

Labcorp Genetics (formerly Invitae), Labcorp
Classification: Likely benign for Dyskeratosis congenita, autosomal recessive 5; Pulmonary fibrosis and/or bone marrow failure, Telomere-related, 3. Last evaluated: 2024-09-29. Review status: criteria provided, single submitter. Criteria: Invitae Variant Classification Sherloc (09022015). Collection method: clinical testing. Allele origin: germline.

CeGaT Center for Human Genetics Tuebingen
Classification: Likely benign. Last evaluated: 2024-02-01. Review status: criteria provided, single submitter. Criteria: CeGaT Center For Human Genetics Tuebingen Variant Classification Criteria Version 2. Collection method: clinical testing. Allele origin: germline. Affected: yes. Observed: 1 variant allele.
Comment: RTEL1: PM2:Supporting, BP4, BP7

Blueprint Genetics
Classification: Likely benign. Last evaluated: 2023-01-09. Review status: criteria provided, single submitter. Criteria: ACMG Guidelines, 2015. Collection method: clinical testing. Allele origin: germline.

Ambry Genetics
Classification: Likely benign for Inborn genetic diseases. Last evaluated: 2020-05-22. Review status: criteria provided, single submitter. Criteria: Ambry Variant Classification Scheme 2023. Collection method: clinical testing. Allele origin: germline.

Natera, Inc.
Classification: Uncertain significance for Dyskeratosis congenita. Last evaluated: 2020-01-24. Review status: no assertion criteria provided. Collection method: clinical testing. Allele origin: germline. Not counted in ClinVar's aggregate classification.

NM_001283009.2(RTEL1):c.2337G>A (p.Ser779=)

Genes: RTEL1 (regulator of telomere elongation helicase 1; plus strand), RTEL1-TNFRSF6B (RTEL1-TNFRSF6B readthrough (NMD candidate); plus strand). Cytogenetic location: 20q13.33.
Variant type: single nucleotide variant.
Coding change: c.2337G>A on transcript NM_001283009.2 (MANE Select); coding-DNA position 2337, G replaced by A.
Protein change: p.Ser779=; no amino-acid change (serine 779 retained).
Molecular consequence: synonymous variant. On other transcripts: non-coding transcript variant (1).
Genome position (GRCh38, 1-based): chr20:63,690,365, G>A. VCF-style: chr20-63690365-G-A. GRCh37 (hg19) VCF-style: chr20-62321718-G-A.
Other names: c.1668G>A, p.Ser556= (NM_001283010.1); c.2337G>A, p.Ser779= (NM_016434.4); c.2409G>A, p.Ser803= (NM_032957.5).
Identifiers: ClinVar variation 798568 (VCV000798568.37), dbSNP rs769675904, ClinGen allele CA9965289.
Genomic context (GRCh38, chr20:63,690,365, plus strand): 5'-GGCCCCCCGGGCTACAGCACCCAGTGTGCGTGGAGAAGATGCTGTCAGCGAGGCCAAGTC[G>A]CCTGGCCCCTTCTTCTCCACCAGGAAAGCTAAGAGTCTGGACCTGCATGTCCCCAGCCTG-3'
Protein context (NP_001269938.1, residues 769-789): RGEDAVSEAK[Ser779=]PGPFFSTRKA